The following is an entry in ClinVar:

NM_001197104.2(KMT2A):c.4993C>T (p.Arg1665Cys)

Gene: KMT2A (lysine methyltransferase 2A; plus strand). Cytogenetic location: 11q23.3.
Variant type: single nucleotide variant.
Coding change: c.4993C>T on transcript NM_001197104.2 (MANE Select); coding-DNA position 4993, C replaced by T.
Protein change: p.Arg1665Cys; replaces arginine 1665 with cysteine.
Molecular consequence: missense variant.
Genome position (GRCh38, 1-based): chr11:118,491,917, C>T. VCF-style: chr11-118491917-C-T. GRCh37 (hg19) VCF-style: chr11-118362632-C-T.
Other names: c.4984C>T, p.Arg1662Cys (NM_005933.4); short protein forms R1665C, R1662C.
Identifiers: ClinVar variation 1375015 (VCV001375015.6), dbSNP rs782721568, ClinGen allele CA6303983.

ClinVar aggregate classification (germline): Uncertain significance (1 of 4 stars; one submission).

Allele frequency attached by ClinVar (database versions not stated): gnomAD exomes below 0.00001; ExAC 0.00001.
gnomAD v4.1: 6 of 1,612,656 alleles (0.00037%); highest among the groups gnomAD compares: Non-Finnish European, 0.00042%; no homozygotes.

Submission:

Labcorp Genetics (formerly Invitae), Labcorp
Classification: Uncertain significance. Last evaluated: 2021-08-09. Review status: criteria provided, single submitter. Criteria: Invitae Variant Classification Sherloc (09022015). Collection method: clinical testing. Allele origin: germline.
Comment: In summary, the available evidence is currently insufficient to determine the role of this variant in disease. Therefore, it has been classified as a Variant of Uncertain Significance. This sequence change replaces arginine with cysteine at codon 1665 of the KMT2A protein (p.Arg1665Cys). The arginine residue is moderately conserved and there is a large physicochemical difference between arginine and cysteine. This variant is present in population databases (rs782721568, ExAC 0.01%). This variant has not been reported in the literature in individuals affected with KMT2A-related conditions. Advanced modeling of protein sequence and biophysical properties (such as structural, functional, and spatial information, amino acid conservation, physicochemical variation, residue mobility, and thermodynamic stability) performed at Invitae indicates that this missense variant is expected to disrupt KMT2A protein function.